The following is an entry in ClinVar:

NM_001273.5(CHD4):c.3748G>A (p.Asp1250Asn)

Gene: CHD4 (chromodomain helicase DNA binding protein 4; minus strand). Cytogenetic location: 12p13.31.
Variant type: single nucleotide variant.
Coding change: c.3748G>A on transcript NM_001273.5 (MANE Select); coding-DNA position 3748, G replaced by A.
Protein change: p.Asp1250Asn; replaces aspartic acid 1250 with asparagine.
Molecular consequence: missense variant.
Genome position (GRCh38, 1-based): chr12:6,587,515, C>T on the plus strand (G>A on the coding strand, the complement: CHD4 is on the minus strand). VCF-style: chr12-6587515-C-T. GRCh37 (hg19) VCF-style: chr12-6696681-C-T.
Other names: c.3727G>A, p.Asp1243Asn (NM_001297553.2); c.3709G>A, p.Asp1237Asn (NM_001363606.2); short protein forms D1237N, D1243N, D1250N.
Identifiers: ClinVar variation 4082567 (VCV004082567.1).

ClinVar aggregate classification (germline): Pathogenic (1 of 4 stars; one submission).

Submission:

GeneDx
Classification: Pathogenic. Last evaluated: 2025-03-04. Review status: criteria provided, single submitter. Criteria: GeneDx Variant Classification Process June 2021. Collection method: clinical testing. Allele origin: germline. Affected: yes.
Comment: Not observed at significant frequency in large population cohorts (gnomAD); In silico analysis supports that this missense variant has a deleterious effect on protein structure/function; This variant is associated with the following publications: (PMID: 35982159, 35982160)